The following is an entry in ClinVar:

ClinVar aggregate classification (germline): Uncertain significance (1 of 4 stars; one submission).

Conditions:
Meckel syndrome, type 11 (MKS11). Identifiers: Orphanet 564, MedGen C3809352, MONDO:0014164, OMIM 615397.
Joubert syndrome 20 (JBTS20). Identifiers: Orphanet 475, MedGen C3554235, MONDO:0013994, OMIM 614970.

gnomAD v4.1: 2 of 1,603,054 alleles (0.00012%); highest among the groups gnomAD compares: South Asian, 0.0011%; no homozygotes.

Submission:

Labcorp Genetics (formerly Invitae), Labcorp
Classification: Uncertain significance for Joubert syndrome 20; Meckel syndrome, type 11. Last evaluated: 2022-07-18. Review status: criteria provided, single submitter. Criteria: Invitae Variant Classification Sherloc (09022015). Collection method: clinical testing. Allele origin: germline.
Comment: This sequence change replaces threonine, which is neutral and polar, with isoleucine, which is neutral and non-polar, at codon 276 of the TMEM231 protein (p.Thr276Ile). This variant is not present in population databases (gnomAD no frequency). This variant has not been reported in the literature in individuals affected with TMEM231-related conditions. Algorithms developed to predict the effect of missense changes on protein structure and function are either unavailable or do not agree on the potential impact of this missense change (SIFT: "Deleterious"; PolyPhen-2: "Not Available"; Align-GVGD: "Class C15"). In summary, the available evidence is currently insufficient to determine the role of this variant in disease. Therefore, it has been classified as a Variant of Uncertain Significance.

NM_001077418.3(TMEM231):c.668C>T (p.Thr223Ile)

Gene: TMEM231 (transmembrane protein 231; minus strand). Cytogenetic location: 16q23.1.
Variant type: single nucleotide variant.
Coding change: c.668C>T on transcript NM_001077418.3 (MANE Select); coding-DNA position 668, C replaced by T.
Protein change: p.Thr223Ile; replaces threonine 223 with isoleucine.
Molecular consequence: missense variant. On other transcripts: non-coding transcript variant (1).
Genome position (GRCh38, 1-based): chr16:75,541,452, G>A on the plus strand (C>T on the coding strand, the complement: TMEM231 is on the minus strand). VCF-style: chr16-75541452-G-A. GRCh37 (hg19) VCF-style: chr16-75575350-G-A.
Other names: c.827C>T, p.Thr276Ile (NM_001077416.2); short protein forms T276I, T223I.
Identifiers: ClinVar variation 1934576 (VCV001934576.2), dbSNP rs971651334, ClinGen allele CA283885936.
Genomic context (GRCh38, chr16:75,541,452, plus strand): 5'-AATGGAGCATCTGCGGCCCTGCCCACCAGCCAGATGGGGTTGGGATCATTCAGGACGGTG[G>A]TAACTGCAATGCAATCATTAACCATTAACCACGATGGCTGTTTGACTCTGGCAGTTGAAG-3'
Protein context (NP_001070886.1, residues 213-233): IVAAYQERNV[Thr223Ile]TVLNDPNPIW